The following is an entry in ClinVar:

ClinVar aggregate classification (germline): Benign/Likely benign. Review status: criteria provided, multiple submitters, no conflicts (2 of 4 stars). 6 submissions from 6 submitters: Benign (2); Likely benign (4). Last evaluated 2024-12-06.

Conditions:
Maturity-onset diabetes of the young (MODY). Also called: Maturity onset diabetes mellitus in young. Identifiers: Orphanet 552, MedGen C0342276, MONDO:0018911, HP:0004904.

Allele frequency attached by ClinVar (database versions not stated): ESP Exome Variant Server 0.00008; TOPMed 0.00003; ExAC 0.00004; gnomAD exomes 0.00004 and 0.00005; gnomAD 0.00005 and 0.00006.
gnomAD v4.1: 66 of 1,614,038 alleles (0.0041%); highest among the groups gnomAD compares: South Asian, 0.013%; no homozygotes.

Submissions (6):

Women's Health and Genetics/Laboratory Corporation of America, LabCorp
Classification: Benign. Last evaluated: 2024-12-06. Review status: criteria provided, single submitter. Criteria: LabCorp Variant Classification Summary - May 2015. Collection method: clinical testing. Allele origin: germline.

Blueprint Genetics
Classification: Likely benign. Last evaluated: 2024-08-30. Review status: criteria provided, single submitter. Criteria: ACMG Guidelines, 2015. Collection method: clinical testing. Allele origin: germline.

CeGaT Center for Human Genetics Tuebingen
Classification: Likely benign. Last evaluated: 2024-06-01. Review status: criteria provided, single submitter. Criteria: CeGaT Center For Human Genetics Tuebingen Variant Classification Criteria Version 2. Collection method: clinical testing. Allele origin: germline. Affected: yes. Observed: 1 variant allele.
Comment: HNF1B: BP4, BP7

Labcorp Genetics (formerly Invitae), Labcorp
Classification: Likely benign. Last evaluated: 2024-04-03. Review status: criteria provided, single submitter. Criteria: Invitae Variant Classification Sherloc (09022015). Collection method: clinical testing. Allele origin: germline.

GeneDx
Classification: Likely benign. Last evaluated: 2016-11-02. Review status: criteria provided, single submitter. Criteria: GeneDx Variant Classification (06012015). Collection method: clinical testing. Allele origin: germline. Affected: yes.
Comment: This variant is considered likely benign or benign based on one or more of the following criteria: it is a conservative change, it occurs at a poorly conserved position in the protein, it is predicted to be benign by multiple in silico algorithms, and/or has population frequency not consistent with disease.

Clinical Genomics, Uppaluri K&H Personalized Medicine Clinic
Classification: Benign for Maturity-onset diabetes of the young. Review status: criteria provided, single submitter. Criteria: K & H Uppaluri Personalized Medicine Clinic Variant Classification & Assertion Criteria_Updated V.1. Collection method: research. Allele origin: unknown. Inheritance: Autosomal dominant inheritance.
Comment: HNF1B gene mutations are associated with early onset diabetes and pancreatic atrophy. It is also associated with multiple renal manifestations including renal cysts, Tubulointerstitial disease, glomerulocystic disease, renal hypoplasia, hypomagnesemia. However no sufficient evidence is found to ascertain the role of this particular variant rs373132003, yet.

Literature cited by the submitters: PubMed 24897035 (cited by Clinical Genomics, Uppaluri K&H Personalized Medicine Clinic); PubMed 25536396 (cited by Clinical Genomics, Uppaluri K&H Personalized Medicine Clinic); PubMed 27615128 (cited by Clinical Genomics, Uppaluri K&H Personalized Medicine Clinic); PubMed 28215227 (cited by Clinical Genomics, Uppaluri K&H Personalized Medicine Clinic); PubMed 33434175 (cited by Clinical Genomics, Uppaluri K&H Personalized Medicine Clinic); PubMed 25741167 (cited by Clinical Genomics, Uppaluri K&H Personalized Medicine Clinic); PubMed 26340261 (cited by Clinical Genomics, Uppaluri K&H Personalized Medicine Clinic); PubMed 19639018 (cited by Clinical Genomics, Uppaluri K&H Personalized Medicine Clinic).

NM_000458.4(HNF1B):c.948C>T (p.Asp316=)

Gene: HNF1B (HNF1 homeobox B; minus strand). Cytogenetic location: 17q12.
Variant type: single nucleotide variant.
Coding change: c.948C>T on transcript NM_000458.4 (MANE Select); coding-DNA position 948, C replaced by T.
Protein change: p.Asp316=; no amino-acid change (aspartic acid 316 retained).
Molecular consequence: synonymous variant.
Genome position (GRCh38, 1-based): chr17:37,731,692, G>A on the plus strand (C>T on the coding strand, the complement: HNF1B is on the minus strand). VCF-style: chr17-37731692-G-A. GRCh37 (hg19) VCF-style: chr17-36091683-G-A.
Other names: c.870C>T, p.Asp290= (NM_001165923.4, NM_001304286.2).
Identifiers: ClinVar variation 377967 (VCV000377967.26), dbSNP rs373132003, ClinGen allele CA8518967.